The following is an entry in ClinVar:

ClinVar aggregate classification (germline): Pathogenic (1 of 4 stars; one submission).

Submission:

Labcorp Genetics (formerly Invitae), Labcorp
Classification: Pathogenic. Last evaluated: 2023-11-09. Review status: criteria provided, single submitter. Criteria: Invitae Variant Classification Sherloc (09022015). Collection method: clinical testing. Allele origin: unknown.
Comment: This variant is a gross deletion of the genomic region encompassing exon(s) 1-17 of the PCNT gene, which includes the initiator codon. This deletion extends beyond the assayed region for this gene and therefore may encompass additional genes. It is expected to result in an absent or disrupted protein product. Loss-of-function variants in PCNT are known to be pathogenic (PMID: 18174396, 22821869). This variant has not been reported in the literature in individuals affected with PCNT-related conditions. For these reasons, this variant has been classified as Pathogenic.

Literature cited by the submitters: PubMed 18174396; PubMed 22821869.

NC_000021.8:g.(?_47744143)_(47805918_?)del

Gene: PCNT (pericentrin; plus strand). Cytogenetic location: 21q22.3.
Variant type: Deletion.
Identifiers: ClinVar variation 3248190 (VCV003248190.1).